The following is an entry in ClinVar:

ClinVar aggregate classification (germline): Uncertain significance (1 of 4 stars; one submission).

gnomAD v4.1: 2 of 1,593,450 alleles (0.00013%); highest among the groups gnomAD compares: Non-Finnish European, 0.00017%; no homozygotes.

Submission:

Labcorp Genetics (formerly Invitae), Labcorp
Classification: Uncertain significance. Last evaluated: 2022-07-19. Review status: criteria provided, single submitter. Criteria: Invitae Variant Classification Sherloc (09022015). Collection method: clinical testing. Allele origin: germline.
Comment: In summary, the available evidence is currently insufficient to determine the role of this variant in disease. Therefore, it has been classified as a Variant of Uncertain Significance. Algorithms developed to predict the effect of missense changes on protein structure and function (SIFT, PolyPhen-2, Align-GVGD) all suggest that this variant is likely to be tolerated. This variant has not been reported in the literature in individuals affected with SOCS1-related conditions. This variant is not present in population databases (gnomAD no frequency). This sequence change replaces valine, which is neutral and non-polar, with methionine, which is neutral and non-polar, at codon 155 of the SOCS1 protein (p.Val155Met).

NM_003745.2(SOCS1):c.463G>A (p.Val155Met)

Gene: SOCS1 (suppressor of cytokine signaling 1; minus strand). Cytogenetic location: 16p13.13.
Variant type: single nucleotide variant.
Coding change: c.463G>A on transcript NM_003745.2 (MANE Select); coding-DNA position 463, G replaced by A.
Protein change: p.Val155Met; replaces valine 155 with methionine.
Molecular consequence: missense variant.
Genome position (GRCh38, 1-based): chr16:11,255,016, C>T on the plus strand (G>A on the coding strand, the complement: SOCS1 is on the minus strand). VCF-style: chr16-11255016-C-T. GRCh37 (hg19) VCF-style: chr16-11348873-C-T.
Other names: short protein forms V155M.
Identifiers: ClinVar variation 2167404 (VCV002167404.4), dbSNP rs778937880, ClinGen allele CA394739987.
Genomic context (GRCh38, chr16:11,255,016, plus strand): 5'-GCAGCGGCCGCACGCGGCGCTGGCGCAGCGGGGCCCCCAGCATGCGGCGCGGCGCCGCCA[C>T]GTAGTGCTCCAGCAGCTCGAAGAGGCAGTCGAAGCTCTCGCGGCTGCCATCCAGGTGAAA-3'
Protein context (NP_003736.1, residues 145-165): DCLFELLEHY[Val155Met]AAPRRMLGAP